The following is an entry in ClinVar:

ClinVar aggregate classification (germline): Uncertain significance (1 of 4 stars; one submission).

Conditions:
Hereditary sensory and autonomic neuropathy type 1 (HSAN1). Also called: HSAN 1; HSN Type I; Hereditary Sensory Neuropathy Type I. Identifiers: Orphanet 36386, MedGen C0020071, MONDO:0018213.

gnomAD v4.1: 1 of 1,603,258 alleles (0.000062%); highest among the groups gnomAD compares: Non-Finnish European, 0.000085%; no homozygotes.

Submission:

Labcorp Genetics (formerly Invitae), Labcorp
Classification: Uncertain significance for Hereditary sensory and autonomic neuropathy type 1. Last evaluated: 2024-03-09. Review status: criteria provided, single submitter. Criteria: Invitae Variant Classification Sherloc (09022015). Collection method: clinical testing. Allele origin: germline.
Comment: This sequence change falls in intron 9 of the SPTLC1 gene. It does not directly change the encoded amino acid sequence of the SPTLC1 protein. It affects a nucleotide within the consensus splice site. This variant is not present in population databases (gnomAD no frequency). This variant has not been reported in the literature in individuals affected with SPTLC1-related conditions. Variants that disrupt the consensus splice site are a relatively common cause of aberrant splicing (PMID: 17576681, 9536098). Algorithms developed to predict the effect of sequence changes on RNA splicing suggest that this variant may disrupt the consensus splice site. In summary, the available evidence is currently insufficient to determine the role of this variant in disease. Therefore, it has been classified as a Variant of Uncertain Significance.

Literature cited by the submitters: PubMed 17576681; PubMed 9536098.

NM_006415.4(SPTLC1):c.889-3C>A

Gene: SPTLC1 (serine palmitoyltransferase long chain base subunit 1; minus strand). Cytogenetic location: 9q22.31.
Variant type: single nucleotide variant.
Coding change: c.889-3C>A on transcript NM_006415.4 (MANE Select); 3 bases into the intron before coding-DNA position 889, C replaced by A.
Molecular consequence: intron variant.
Genome position (GRCh38, 1-based): chr9:92,047,711, G>T on the plus strand (C>A on the coding strand, the complement: SPTLC1 is on the minus strand). VCF-style: chr9-92047711-G-T. GRCh37 (hg19) VCF-style: chr9-94809993-G-T.
Other names: c.889-3C>A (NM_001281303.2); c.523-3C>A (NM_001368272.1); c.424-3C>A (NM_001368273.1).
Identifiers: ClinVar variation 3645173 (VCV003645173.2).